The following is an entry in ClinVar:

ClinVar aggregate classification (germline): Conflicting classifications of pathogenicity. Review status: criteria provided, conflicting classifications (1 of 4 stars). 3 submissions from 3 submitters: Uncertain significance (2); Benign (1). Last evaluated 2025-10-28.

Conditions:
Fanconi anemia complementation group O. Also called: RAD51C-Related Fanconi Anemia. Identifiers: Orphanet 84, MedGen C3150653, MONDO:0013248, OMIM 613390.
Hereditary cancer-predisposing syndrome. Also called: Hereditary neoplastic syndrome; Neoplastic Syndromes, Hereditary; Tumor predisposition; Hereditary Cancer Syndrome. Identifiers: Orphanet 140162, MedGen C0027672, MeSH D009386, MONDO:0015356.

Submissions (3):

Ambry Genetics
Classification: Benign for Hereditary cancer-predisposing syndrome. Last evaluated: 2025-10-28. Review status: criteria provided, single submitter. Criteria: Ambry Variant Classification Scheme 2023. Collection method: clinical testing. Allele origin: germline.

Labcorp Genetics (formerly Invitae), Labcorp
Classification: Uncertain significance for Fanconi anemia complementation group O. Last evaluated: 2023-11-08. Review status: criteria provided, single submitter. Criteria: Invitae Variant Classification Sherloc (09022015). Collection method: clinical testing. Allele origin: germline.
Comment: This sequence change replaces alanine, which is neutral and non-polar, with valine, which is neutral and non-polar, at codon 126 of the RAD51C protein (p.Ala126Val). This variant is not present in population databases (gnomAD no frequency). This variant has not been reported in the literature in individuals affected with RAD51C-related conditions. ClinVar contains an entry for this variant (Variation ID: 480511). Advanced modeling of protein sequence and biophysical properties (such as structural, functional, and spatial information, amino acid conservation, physicochemical variation, residue mobility, and thermodynamic stability) performed at Invitae indicates that this missense variant is not expected to disrupt RAD51C protein function with a negative predictive value of 80%. In summary, the available evidence is currently insufficient to determine the role of this variant in disease. Therefore, it has been classified as a Variant of Uncertain Significance.

Women's Health and Genetics/Laboratory Corporation of America, LabCorp
Classification: Uncertain significance. Last evaluated: 2018-11-12. Review status: criteria provided, single submitter. Criteria: LabCorp Variant Classification Summary - May 2015. Collection method: clinical testing. Allele origin: germline.
Comment: Variant summary: RAD51C c.377C>T (p.Ala126Val) results in a non-conservative amino acid change in the encoded protein sequence. Three of five in-silico tools predict a benign effect of the variant on protein function. The variant was absent in 119592 control chromosomes (gnomAD). The available data on variant occurrences in the general population are insufficient to allow any conclusion about variant significance. To our knowledge, no occurrence of c.377C>T in individuals affected with Hereditary Breast and Ovarian Cancer and no experimental evidence demonstrating its impact on protein function have been reported. A ClinVar submission from a clinical diagnostic laboratory (evaluation after 2014) cites the variant as uncertain significance. Based on the evidence outlined above, the variant was classified as uncertain significance.

Literature cited by the submitters: PubMed 20400964 (cited by Ambry Genetics); PubMed 24082139 (cited by Ambry Genetics).

NM_058216.3(RAD51C):c.377C>T (p.Ala126Val)

Gene: RAD51C (RAD51 paralog C; plus strand). Cytogenetic location: 17q22.
Variant type: single nucleotide variant.
Coding change: c.377C>T on transcript NM_058216.3 (MANE Select); coding-DNA position 377, C replaced by T.
Protein change: p.Ala126Val; replaces alanine 126 with valine.
Molecular consequence: missense variant. On other transcripts: non-coding transcript variant (2).
Genome position (GRCh38, 1-based): chr17:58,695,162, C>T. VCF-style: chr17-58695162-C-T. GRCh37 (hg19) VCF-style: chr17-56772523-C-T.
Other names: c.377C>T, p.Ala126Val (NM_002876.4); short protein forms A126V.
Identifiers: ClinVar variation 480511 (VCV000480511.10), dbSNP rs1555593858, ClinGen allele CA400341876.
Genomic context (GRCh38, chr17:58,695,162, plus strand): 5'-CACTAGATGATATTCTTGGGGGTGGAGTGCCCTTAATGAAAACAACAGAAATTTGTGGTG[C>T]ACCAGGTGTTGGAAAAACACAATTATGGTAAAATAAAGTGTTCTCCTTTTAAGGGTGGGT-3'
Protein context (NP_478123.1, residues 116-136): PLMKTTEICG[Ala126Val]PGVGKTQLCM